The following is an entry in ClinVar:

NM_198578.4(LRRK2):c.6557C>T (p.Thr2186Ile)

Gene: LRRK2 (leucine rich repeat kinase 2; plus strand). Cytogenetic location: 12q12.
Variant type: single nucleotide variant.
Coding change: c.6557C>T on transcript NM_198578.4 (MANE Select); coding-DNA position 6557, C replaced by T.
Protein change: p.Thr2186Ile; replaces threonine 2186 with isoleucine.
Molecular consequence: missense variant.
Genome position (GRCh38, 1-based): chr12:40,351,714, C>T. VCF-style: chr12-40351714-C-T. GRCh37 (hg19) VCF-style: chr12-40745516-C-T.
Other names: short protein forms T2186I.
Identifiers: ClinVar variation 2163261 (VCV002163261.4), dbSNP rs1946359512, ClinGen allele CA384407561.

ClinVar aggregate classification (germline): Uncertain significance (1 of 4 stars; one submission).

Conditions:
Autosomal dominant Parkinson disease 8. Also called: Parkinson disease 8; Parkinson disease 8, susceptibility to; LRRK2-Related Parkinson Disease. Identifiers: Orphanet 411602, MedGen C1846862, MONDO:0011764, OMIM 607060.

Allele frequency attached by ClinVar (database versions not stated): gnomAD exomes below 0.00001; TOPMed below 0.00001; gnomAD 0.00001.
gnomAD v4.1: 2 of 1,614,022 alleles (0.00012%); highest among the groups gnomAD compares: Non-Finnish European, 0.00017%; no homozygotes.

Submission:

Labcorp Genetics (formerly Invitae), Labcorp
Classification: Uncertain significance for Autosomal dominant Parkinson disease 8. Last evaluated: 2021-12-17. Review status: criteria provided, single submitter. Criteria: Invitae Variant Classification Sherloc (09022015). Collection method: clinical testing. Allele origin: germline.
Comment: In summary, the available evidence is currently insufficient to determine the role of this variant in disease. Therefore, it has been classified as a Variant of Uncertain Significance. Algorithms developed to predict the effect of missense changes on protein structure and function (SIFT, PolyPhen-2, Align-GVGD) all suggest that this variant is likely to be tolerated. This variant has not been reported in the literature in individuals affected with LRRK2-related conditions. This variant is not present in population databases (gnomAD no frequency). This sequence change replaces threonine, which is neutral and polar, with isoleucine, which is neutral and non-polar, at codon 2186 of the LRRK2 protein (p.Thr2186Ile).